The following is an entry in ClinVar:

NM_033056.4(PCDH15):c.5824G>A (p.Glu1942Lys)

Gene: PCDH15 (protocadherin related 15; minus strand). Cytogenetic location: 10q21.1.
Variant type: single nucleotide variant.
Coding change: c.5824G>A on transcript NM_033056.4 (MANE Plus Clinical); coding-DNA position 5824, G replaced by A.
Protein change: p.Glu1942Lys; replaces glutamic acid 1942 with lysine.
Molecular consequence: missense variant. On other transcripts: intron variant (8).
Genome position (GRCh38, 1-based): chr10:53,821,902, C>T on the plus strand (G>A on the coding strand, the complement: PCDH15 is on the minus strand). VCF-style: chr10-53821902-C-T. GRCh37 (hg19) VCF-style: chr10-55581662-C-T.
Other names: c.4409+3234G>A (NM_001142769.3); c.5845G>A, p.Glu1949Lys (NM_001142763.2); c.5830G>A, p.Glu1944Lys (NM_001142764.2); c.5617G>A, p.Glu1873Lys (NM_001142765.2); c.5815G>A, p.Glu1939Lys (NM_001142766.2); c.5704G>A, p.Glu1902Lys (NM_001142767.2); c.5764G>A, p.Glu1922Lys (NM_001142768.2); c.5755G>A, p.Glu1919Lys (NM_001142773.2); and 7 more; short protein forms E1919K, E1920K, E1922K, E1939K, E1873K, E1902K, E1942K, E1949K.
Identifiers: ClinVar variation 877280 (VCV000877280.7), dbSNP rs200913448, ClinGen allele CA207218360.

ClinVar aggregate classification (germline): Uncertain significance. Review status: criteria provided, multiple submitters, no conflicts (2 of 4 stars). 2 submissions from 2 submitters: Uncertain significance (2). Last evaluated 2024-10-25.

Conditions:
Usher syndrome type 1 (USH1). Also called: RETINITIS PIGMENTOSA AND CONGENITAL DEAFNESS. Identifiers: Orphanet 231169, Orphanet 886, MedGen C1568247, MONDO:0010168, OMIM 276900.

Allele frequency attached by ClinVar (database versions not stated): TOPMed 0.00001.
gnomAD v4.1: 18 of 1,613,588 alleles (0.0011%); highest among the groups gnomAD compares: Admixed American, 0.0033%; no homozygotes.

Submissions (2):

Labcorp Genetics (formerly Invitae), Labcorp
Classification: Uncertain significance. Last evaluated: 2024-10-25. Review status: criteria provided, single submitter. Criteria: Invitae Variant Classification Sherloc (09022015). Collection method: clinical testing. Allele origin: germline.
Comment: This sequence change replaces glutamic acid, which is acidic and polar, with lysine, which is basic and polar, at codon 1942 of the PCDH15 protein (p.Glu1942Lys). This variant is present in population databases (rs200913448, gnomAD 0.01%). This variant has not been reported in the literature in individuals affected with PCDH15-related conditions. ClinVar contains an entry for this variant (Variation ID: 877280). Invitae Evidence Modeling of protein sequence and biophysical properties (such as structural, functional, and spatial information, amino acid conservation, physicochemical variation, residue mobility, and thermodynamic stability) indicates that this missense variant is not expected to disrupt PCDH15 protein function with a negative predictive value of 95%. In summary, the available evidence is currently insufficient to determine the role of this variant in disease. Therefore, it has been classified as a Variant of Uncertain Significance.

Illumina Laboratory Services, Illumina
Classification: Uncertain significance for Usher syndrome type 1. Last evaluated: 2018-01-13. Review status: criteria provided, single submitter. Criteria: ICSL Variant Classification Criteria 13 December 2019. Collection method: clinical testing. Allele origin: germline.